The following is an entry in ClinVar:

ClinVar aggregate classification (germline): Uncertain significance. Review status: criteria provided, multiple submitters, no conflicts (2 of 4 stars). 2 submissions from 2 submitters: Uncertain significance (2). Last evaluated 2025-10-28.

Conditions:
Fanconi anemia (FA). Also called: Fanconi's anemia. Identifiers: Orphanet 84, MedGen C0015625, MeSH D005199, MONDO:0019391.
Inborn genetic diseases. Identifiers: MedGen C0950123, MeSH D030342.

Allele frequency attached by ClinVar (database versions not stated): gnomAD exomes below 0.00001.
gnomAD v4.1: 1 of 1,606,158 alleles (0.000062%); no homozygotes.

Submissions (2):

Ambry Genetics
Classification: Uncertain significance for Inborn genetic diseases. Last evaluated: 2025-10-28. Review status: criteria provided, single submitter. Criteria: Ambry Variant Classification Scheme 2023. Collection method: clinical testing. Allele origin: germline.
Comment: The p.D1251G variant (also known as c.3752A>G), located in coding exon 14 of the FANCM gene, results from an A to G substitution at nucleotide position 3752. The aspartic acid at codon 1251 is replaced by glycine, an amino acid with similar properties. This amino acid position is conserved. In addition, this alteration is predicted to be tolerated by in silico analysis. Based on the available evidence, the clinical significance of this variant remains unclear.

Labcorp Genetics (formerly Invitae), Labcorp
Classification: Uncertain significance for Fanconi anemia. Last evaluated: 2021-03-15. Review status: criteria provided, single submitter. Criteria: Invitae Variant Classification Sherloc (09022015). Collection method: clinical testing. Allele origin: germline.
Comment: This sequence change replaces aspartic acid with glycine at codon 1251 of the FANCM protein (p.Asp1251Gly). The aspartic acid residue is moderately conserved and there is a moderate physicochemical difference between aspartic acid and glycine. In summary, the available evidence is currently insufficient to determine the role of this variant in disease. Therefore, it has been classified as a Variant of Uncertain Significance. Algorithms developed to predict the effect of sequence changes on RNA splicing suggest that this variant may create or strengthen a splice site, but this prediction has not been confirmed by published transcriptional studies. Algorithms developed to predict the effect of missense changes on protein structure and function output the following: SIFT: "Deleterious"; PolyPhen-2: "Benign"; Align-GVGD: "Class C0". The glycine amino acid residue is found in multiple mammalian species, suggesting that this missense change does not adversely affect protein function. These predictions have not been confirmed by published functional studies and their clinical significance is uncertain. This variant has not been reported in the literature in individuals with FANCM-related conditions. This variant is not present in population databases (ExAC no frequency).

NM_020937.4(FANCM):c.3752A>G (p.Asp1251Gly)

Gene: FANCM (FA complementation group M; plus strand). Cytogenetic location: 14q21.2.
Variant type: single nucleotide variant.
Coding change: c.3752A>G on transcript NM_020937.4 (MANE Select); coding-DNA position 3752, A replaced by G.
Protein change: p.Asp1251Gly; replaces aspartic acid 1251 with glycine.
Molecular consequence: missense variant.
Genome position (GRCh38, 1-based): chr14:45,176,506, A>G. VCF-style: chr14-45176506-A-G. GRCh37 (hg19) VCF-style: chr14-45645709-A-G.
Other names: c.3752A>G (NM_020937.2); c.3674A>G, p.Asp1225Gly (NM_001308133.2); short protein forms D1225G, D1251G.
Identifiers: ClinVar variation 1428590 (VCV001428590.9), dbSNP rs1425871684, ClinGen allele CA389602877.